The following is an entry in ClinVar:

ClinVar aggregate classification (germline): Uncertain significance. Review status: criteria provided, multiple submitters, no conflicts (2 of 4 stars). 5 submissions from 5 submitters: Uncertain significance (4). 1 of the submissions does not count toward it. Last evaluated 2024-02-05.

Conditions:
Inborn genetic diseases. Identifiers: MedGen C0950123, MeSH D030342.
Muscular dystrophy-dystroglycanopathy (congenital with impaired intellectual development), type B, 3. Also called: Muscular dystrophy-dystroglycanopathy (congenital with intellectual disability), type B3; MUSCULAR DYSTROPHY, CONGENITAL, POMGNT1-RELATED. Identifiers: MedGen C3150412, MONDO:0013155, OMIM 613151.
Autosomal recessive limb-girdle muscular dystrophy type 2O. Also called: Limb-Girdle Muscular Dystrophy Type 3C; MUSCULAR DYSTROPHY-DYSTROGLYCANOPATHY (LIMB-GIRDLE), TYPE C, 3; MUSCULAR DYSTROPHY-DYSTROGLYCANOPATHY, LIMB-GIRDLE, POMGNT1-RELATED. Identifiers: Orphanet 206564, MedGen C3150417, MONDO:0013161, OMIM 613157.
Muscle eye brain disease (MEB). Also called: Santavuori congenital muscular dystrophy. Identifiers: Orphanet 588, Orphanet 899, MedGen C0457133, MONDO:0018939.

Allele frequency attached by ClinVar (database versions not stated): TOPMed 0.00006.
gnomAD v4.1: 41 of 1,613,538 alleles (0.0025%); highest among the groups gnomAD compares: East Asian, 0.011%; no homozygotes.

Submissions (5):

Ambry Genetics
Classification: Uncertain significance for Inborn genetic diseases. Last evaluated: 2024-02-05. Review status: criteria provided, single submitter. Criteria: Ambry Variant Classification Scheme 2023. Collection method: clinical testing. Allele origin: germline.

Blueprint Genetics
Classification: Uncertain significance. Last evaluated: 2023-07-03. Review status: criteria provided, single submitter. Criteria: ACMG Guidelines, 2015. Collection method: clinical testing. Allele origin: germline.

Labcorp Genetics (formerly Invitae), Labcorp
Classification: Uncertain significance for Autosomal recessive limb-girdle muscular dystrophy type 2O; Muscular dystrophy-dystroglycanopathy (congenital with impaired intellectual development), type B, 3. Last evaluated: 2022-08-31. Review status: criteria provided, single submitter. Criteria: Invitae Variant Classification Sherloc (09022015). Collection method: clinical testing. Allele origin: germline.
Comment: This sequence change replaces isoleucine, which is neutral and non-polar, with valine, which is neutral and non-polar, at codon 642 of the POMGNT1 protein (p.Ile642Val). The frequency data for this variant in the population databases is considered unreliable, as metrics indicate poor data quality at this position in the gnomAD database. This variant has not been reported in the literature in individuals affected with POMGNT1-related conditions. ClinVar contains an entry for this variant (Variation ID: 448109). Advanced modeling of protein sequence and biophysical properties (such as structural, functional, and spatial information, amino acid conservation, physicochemical variation, residue mobility, and thermodynamic stability) performed at Invitae indicates that this missense variant is not expected to disrupt POMGNT1 protein function. In summary, the available evidence is currently insufficient to determine the role of this variant in disease. Therefore, it has been classified as a Variant of Uncertain Significance.

Athena Diagnostics
Classification: Uncertain significance. Last evaluated: 2019-01-23. Review status: criteria provided, single submitter. Criteria: Athena Diagnostics Criteria. Collection method: clinical testing. Allele origin: germline.

Natera, Inc.
Classification: Uncertain significance for Muscle-eye-brain disease. Last evaluated: 2019-10-28. Review status: no assertion criteria provided. Collection method: clinical testing. Allele origin: germline. Not counted in ClinVar's aggregate classification.

NM_017739.4(POMGNT1):c.1924A>G (p.Ile642Val)

Genes: POMGNT1 (protein O-linked mannose N-acetylglucosaminyltransferase 1 (beta 1,2-); minus strand), TSPAN1 (tetraspanin 1; plus strand). Cytogenetic location: 1p34.1.
Variant type: single nucleotide variant.
Coding change: c.1924A>G on transcript NM_017739.4 (MANE Select); coding-DNA position 1924, A replaced by G.
Protein change: p.Ile642Val; replaces isoleucine 642 with valine.
Molecular consequence: missense variant. On other transcripts: intron variant (1).
Genome position (GRCh38, 1-based): chr1:46,189,329, T>C on the plus strand (A>G on the coding strand, the complement: POMGNT1 is on the minus strand). VCF-style: chr1-46189329-T-C. GRCh37 (hg19) VCF-style: chr1-46655001-T-C.
Other names: c.1898A>G, p.Asn633Ser (NM_001243766.2); c.1858A>G, p.Ile620Val (NM_001290129.3); c.1495A>G, p.Ile499Val (NM_001290130.2); c.1895+129A>G (NM_001410783.1); short protein forms I642V, N633S, I620V, I499V.
Identifiers: ClinVar variation 448109 (VCV000448109.8), dbSNP rs757749808, ClinGen allele CA833187.
Genomic context (GRCh38, chr1:46,189,329, plus strand): 5'-CTCATGTCTGTTCTGGGGCTCCTGGGGCTCCCTCCTCCTTTGGGGGTGGCTCCAGGAAAA[T>C]TGGGGTGACTGAGGGTGGCTTCTTCACTCTGGGAAAATAATACAAGAATGTATAGAGAAG-3'
Protein context (NP_060209.4, residues 632-652): SVKKPPSVTP[Ile642Val]FLEPPPKEEG